The following is an entry in ClinVar:

NM_001103.4(ACTN2):c.16C>G (p.Pro6Ala)

Gene: ACTN2 (actinin alpha 2; plus strand). Cytogenetic location: 1q43.
Variant type: single nucleotide variant.
Coding change: c.16C>G on transcript NM_001103.4 (MANE Select); coding-DNA position 16, C replaced by G.
Protein change: p.Pro6Ala; replaces proline 6 with alanine.
Molecular consequence: missense variant. On other transcripts: non-coding transcript variant (1).
Genome position (GRCh38, 1-based): chr1:236,686,689, C>G. VCF-style: chr1-236686689-C-G. GRCh37 (hg19) VCF-style: chr1-236849989-C-G.
Other names: c.16C>G, p.Pro6Ala (NM_001278343.2); c.-806C>G (NM_001278344.2); c.-931C>G (NM_001412150.1); short protein forms P6A.
Identifiers: ClinVar variation 2926544 (VCV002926544.3), dbSNP rs1428900516, ClinGen allele CA345358082.

ClinVar aggregate classification (germline): Uncertain significance (1 of 4 stars; one submission).

Conditions:
Dilated cardiomyopathy 1AA (CMD1AA). Also called: CARDIOMYOPATHY, DILATED, 1AA, WITH OR WITHOUT LEFT VENTRICULAR NONCOMPACTION; CARDIOMYOPATHY, FAMILIAL HYPERTROPHIC, 23, WITH OR WITHOUT LEFT VENTRICULAR NONCOMPACTION; Cardiomyopathy, dilated, 1AA, with or without LVNC. Identifiers: Orphanet 154, MedGen C2677338, MONDO:0012808, OMIM 612158.
Primary familial hypertrophic cardiomyopathy (HCM). Identifiers: Orphanet 99739, MedGen C0949658, MeSH D024741, MONDO:0024573. Inheritance: Various modes of inheritance.

gnomAD v4.1: 2 of 1,563,796 alleles (0.00013%); highest among the groups gnomAD compares: Non-Finnish European, 0.00017%; no homozygotes.

Submission:

Labcorp Genetics (formerly Invitae), Labcorp
Classification: Uncertain significance for Primary familial hypertrophic cardiomyopathy; Dilated cardiomyopathy 1AA. Last evaluated: 2023-12-21. Review status: criteria provided, single submitter. Criteria: Invitae Variant Classification Sherloc (09022015). Collection method: clinical testing. Allele origin: germline.
Comment: This sequence change replaces proline, which is neutral and non-polar, with alanine, which is neutral and non-polar, at codon 6 of the ACTN2 protein (p.Pro6Ala). This variant is not present in population databases (gnomAD no frequency). This variant has not been reported in the literature in individuals affected with ACTN2-related conditions. An algorithm developed to predict the effect of missense changes on protein structure and function (PolyPhen-2) suggests that this variant is likely to be tolerated. In summary, the available evidence is currently insufficient to determine the role of this variant in disease. Therefore, it has been classified as a Variant of Uncertain Significance.